The following is an entry in ClinVar:

NM_032427.4(MAML2):c.1782GCA[4] (p.Gln613_Gln621del)

Gene: MAML2 (mastermind like transcriptional coactivator 2; minus strand). Cytogenetic location: 11q21.
Variant type: Microsatellite.
Coding change: c.1782GCA[4] on transcript NM_032427.4 (MANE Select); four copies in a row of the 3-base unit GCA starting at c.1782; the reference has 13 copies in a row; nine copies, 27 bases deleted.
Protein change: p.Gln613_Gln621del.
Genome position (GRCh38, 1-based): chr11:96,092,211-96,092,237, TGCTGCTGCTGCTGCTGCTGCTGCTGC deleted on the plus strand (GCAGCAGCAGCAGCAGCAGCAGCAGCA on the coding strand, the reverse complement: MAML2 is on the minus strand); deleting any 27 consecutive bases within chr11:96,092,211-96,092,251 gives the same sequence; the position shown is the placement nearest the transcript's 3' end. VCF-style (leftmost placement, unchanged base first): chr11-96092210-TTGCTGCTGCTGCTGCTGCTGCTGCTGC-T. GRCh37 (hg19) VCF-style: chr11-95825374-TTGCTGCTGCTGCTGCTGCTGCTGCTGC-T.
Identifiers: ClinVar variation 4083881 (VCV004083881.8).
Genomic context (GRCh38, chr11:96,092,210, plus strand): 5'-TTGAGCTGAAATTGAACTCTGCTGTTGCTGTTGCTGTTGCTGTTGCTGCTGCTGCTGCTG[TTGCTGCTGCTGCTGCTGCTGCTGCTGC>T]TGCTGCTGCTGCTGTTGCTGCTGTTGCTGTTGGGTGTAGTGTAGGAGAGAAGGCTTGTTC-3'

ClinVar aggregate classification (germline): Likely benign (1 of 4 stars; one submission).

Submission:

CeGaT Center for Human Genetics Tuebingen
Classification: Likely benign. Last evaluated: 2026-06-01. Review status: criteria provided, single submitter. Criteria: CeGaT Center For Human Genetics Tuebingen Variant Classification Criteria Version 2. Collection method: clinical testing. Allele origin: germline. Affected: yes. Observed: 2 variant alleles.
Comment: MAML2: PM4, BS2